The following is an entry in ClinVar:

NM_014444.5(TUBGCP4):c.442-7T>G

Gene: TUBGCP4 (tubulin gamma complex component 4; plus strand). Cytogenetic location: 15q15.3.
Variant type: single nucleotide variant.
Coding change: c.442-7T>G on transcript NM_014444.5 (MANE Select); 7 bases into the intron before coding-DNA position 442, T replaced by G.
Molecular consequence: intron variant.
Genome position (GRCh38, 1-based): chr15:43,380,077, T>G. VCF-style: chr15-43380077-T-G. GRCh37 (hg19) VCF-style: chr15-43672275-T-G.
Other names: c.442-7T>G (NM_001286414.3).
Identifiers: ClinVar variation 1399036 (VCV001399036.8), dbSNP rs2142784702, ClinGen allele CA2573150732.

ClinVar aggregate classification (germline): Uncertain significance (1 of 4 stars; one submission).

Submission:

Labcorp Genetics (formerly Invitae), Labcorp
Classification: Uncertain significance. Last evaluated: 2022-06-20. Review status: criteria provided, single submitter. Criteria: Invitae Variant Classification Sherloc (09022015). Collection method: clinical testing. Allele origin: germline.
Comment: This sequence change falls in intron 5 of the TUBGCP4 gene. It does not directly change the encoded amino acid sequence of the TUBGCP4 protein. This variant is not present in population databases (gnomAD no frequency). This variant has not been reported in the literature in individuals affected with TUBGCP4-related conditions. Algorithms developed to predict the effect of sequence changes on RNA splicing suggest that this variant may disrupt the consensus splice site. In summary, the available evidence is currently insufficient to determine the role of this variant in disease. Therefore, it has been classified as a Variant of Uncertain Significance.